The following is an entry in ClinVar:

NM_001009880.2(KIAA0930):c.965C>T (p.Ser322Leu)

Gene: KIAA0930 (KIAA0930; minus strand). Cytogenetic location: 22q13.31.
Variant type: single nucleotide variant.
Coding change: c.965C>T on transcript NM_001009880.2 (MANE Select); coding-DNA position 965, C replaced by T.
Protein change: p.Ser322Leu; replaces serine 322 with leucine.
Molecular consequence: missense variant.
Genome position (GRCh38, 1-based): chr22:45,199,923, G>A on the plus strand (C>T on the coding strand, the complement: KIAA0930 is on the minus strand). VCF-style: chr22-45199923-G-A. GRCh37 (hg19) VCF-style: chr22-45595804-G-A.
Other names: c.980C>T, p.Ser327Leu (NM_015264.2); short protein forms S322L, S327L.
Identifiers: ClinVar variation 1691075 (VCV001691075.27), dbSNP rs2147734951, ClinGen allele CA411880557.
Genomic context (GRCh38, chr22:45,199,923, plus strand): 5'-GGGGGGTCACCTCCACCGTCGTCCTCCCGGAAGAACTCCTCGCTGTCGTTGGCCGAGTGC[G>A]ACTTCTTCATCTCAGCGATCCGGTTCCGGGGCACCTTCCTCTTGAGGGATGGGGAGAAGA-3'
Protein context (NP_001009880.1, residues 312-332): PRNRIAEMKK[Ser322Leu]HSANDSEEFF

ClinVar aggregate classification (germline): Likely pathogenic. Review status: criteria provided, single submitter (1 of 4 stars). 2 submissions from 1 submitter: Likely pathogenic (1). 1 of the submissions does not count toward it. Last evaluated 2023-04-01.

Conditions:
Neurodevelopmental disorder. Identifiers: MedGen C1535926, MeSH D065886, MONDO:0700092.

Submissions (2):

Hadassah Hebrew University Medical Center
Classification: Likely pathogenic for Neurodevelopmental disorder. Last evaluated: 2023-04-01. Review status: criteria provided, single submitter. Criteria: ACMG Guidelines, 2015. Collection method: clinical testing. Allele origin: germline. Affected: yes.

Hadassah Hebrew University Medical Center
Classification: Uncertain significance. Last evaluated: 2022-04-17. Review status: flagged submission. Criteria: ACMG Guidelines, 2015. Collection method: clinical testing. Allele origin: germline. Affected: yes. Not counted in ClinVar's aggregate classification.
ClinVar note: Reason: This record appears to be redundant with a more recent record from the same submitter.
ClinVar note: Notes: SCV002524047 appears to be redundant with SCV003922411.